The following is an entry in ClinVar:

ClinVar aggregate classification (germline): Uncertain significance. Review status: criteria provided, multiple submitters, no conflicts (2 of 4 stars). 4 submissions from 4 submitters: Uncertain significance (4). Last evaluated 2025-08-30.

Conditions:
Primary ciliary dyskinesia. Also called: Ciliary dyskinesia. Identifiers: Orphanet 244, MedGen C0008780, MONDO:0016575, HP:0012265.
Primary ciliary dyskinesia 15. Also called: CILIARY DYSKINESIA, PRIMARY, 15, WITH OR WITHOUT SITUS INVERSUS. Identifiers: Orphanet 244, MedGen C3151137, MONDO:0013435, OMIM 613808.

Allele frequency attached by ClinVar (database versions not stated): ExAC 0.00002; gnomAD exomes 0.00002 and 0.00006; TOPMed 0.00002; gnomAD 0.00003 and 0.00004.
gnomAD v4.1: 87 of 1,612,742 alleles (0.0054%); highest among the groups gnomAD compares: Non-Finnish European, 0.007%; no homozygotes.

Submissions (4):

Ambry Genetics
Classification: Uncertain significance for Primary ciliary dyskinesia. Last evaluated: 2025-08-30. Review status: criteria provided, single submitter. Criteria: Ambry Variant Classification Scheme 2023. Collection method: clinical testing. Allele origin: germline.

Labcorp Genetics (formerly Invitae), Labcorp
Classification: Uncertain significance for Primary ciliary dyskinesia. Last evaluated: 2025-07-25. Review status: criteria provided, single submitter. Criteria: Invitae Variant Classification Sherloc (09022015). Collection method: clinical testing. Allele origin: germline.
Comment: This sequence change replaces valine, which is neutral and non-polar, with alanine, which is neutral and non-polar, at codon 221 of the CCDC40 protein (p.Val221Ala). This variant is present in population databases (rs760951742, gnomAD 0.005%). This variant has not been reported in the literature in individuals affected with CCDC40-related conditions. ClinVar contains an entry for this variant (Variation ID: 216700). An algorithm developed to predict the effect of missense changes on protein structure and function (PolyPhen-2) suggests that this variant is likely to be tolerated. In summary, the available evidence is currently insufficient to determine the role of this variant in disease. Therefore, it has been classified as a Variant of Uncertain Significance.

Fulgent Genetics
Classification: Uncertain significance for Primary ciliary dyskinesia 15. Last evaluated: 2018-10-31. Review status: criteria provided, single submitter. Criteria: ACMG Guidelines, 2015. Collection method: clinical testing. Allele origin: unknown.

Illumina Laboratory Services, Illumina
Classification: Uncertain significance for Primary ciliary dyskinesia 15. Last evaluated: 2018-01-12. Review status: criteria provided, single submitter. Criteria: ICSL Variant Classification Criteria 13 December 2019. Collection method: clinical testing. Allele origin: germline.

NM_017950.4(CCDC40):c.662T>C (p.Val221Ala)

Gene: CCDC40 (coiled-coil domain 40 molecular ruler complex subunit; plus strand). Cytogenetic location: 17q25.3.
Variant type: single nucleotide variant.
Coding change: c.662T>C on transcript NM_017950.4 (MANE Select); coding-DNA position 662, T replaced by C.
Protein change: p.Val221Ala; replaces valine 221 with alanine.
Molecular consequence: missense variant.
Genome position (GRCh38, 1-based): chr17:80,047,388, T>C. VCF-style: chr17-80047388-T-C. GRCh37 (hg19) VCF-style: chr17-78021187-T-C.
Other names: c.662T>C, p.Val221Ala (NM_001243342.2, NM_001330508.2); short protein forms V221A.
Identifiers: ClinVar variation 216700 (VCV000216700.14), dbSNP rs760951742, ClinGen allele CA337429.